The following is an entry in ClinVar:

ClinVar aggregate classification (germline): Uncertain significance (1 of 4 stars; one submission).

Submission:

Labcorp Genetics (formerly Invitae), Labcorp
Classification: Uncertain significance. Last evaluated: 2022-05-03. Review status: criteria provided, single submitter. Criteria: Invitae Variant Classification Sherloc (09022015). Collection method: clinical testing. Allele origin: germline.
Comment: This variant is not present in population databases (gnomAD no frequency). This variant has not been reported in the literature in individuals affected with ESCO2-related conditions. Algorithms developed to predict the effect of missense changes on protein structure and function are either unavailable or do not agree on the potential impact of this missense change (SIFT: "Tolerated"; PolyPhen-2: "Probably Damaging"; Align-GVGD: "Class C0"). In summary, the available evidence is currently insufficient to determine the role of this variant in disease. Therefore, it has been classified as a Variant of Uncertain Significance. This sequence change replaces arginine, which is basic and polar, with proline, which is neutral and non-polar, at codon 427 of the ESCO2 protein (p.Arg427Pro).

NM_001017420.3(ESCO2):c.1280G>C (p.Arg427Pro)

Gene: ESCO2 (establishment of sister chromatid cohesion N-acetyltransferase 2; plus strand). Cytogenetic location: 8p21.1.
Variant type: single nucleotide variant.
Coding change: c.1280G>C on transcript NM_001017420.3 (MANE Select); coding-DNA position 1280, G replaced by C.
Protein change: p.Arg427Pro; replaces arginine 427 with proline.
Molecular consequence: missense variant.
Genome position (GRCh38, 1-based): chr8:27,791,979, G>C. VCF-style: chr8-27791979-G-C. GRCh37 (hg19) VCF-style: chr8-27649496-G-C.
Other names: short protein forms R427P.
Identifiers: ClinVar variation 2132807 (VCV002132807.4), dbSNP rs768258688, ClinGen allele CA370824865.